The following is an entry in ClinVar:

ClinVar aggregate classification (germline): Uncertain significance. Review status: criteria provided, multiple submitters, no conflicts (2 of 4 stars). 2 submissions from 2 submitters: Uncertain significance (2). Last evaluated 2026-08-26.

Conditions:
TRIM32-related disorder. Also called: TRIM32-related condition.

Allele frequency attached by ClinVar (database versions not stated): TOPMed below 0.00001; gnomAD exomes 0.00001.
gnomAD v4.1: 10 of 1,614,210 alleles (0.00062%); highest among the groups gnomAD compares: Non-Finnish European, 0.00076%; no homozygotes.

Submissions (2):

PreventionGenetics, part of Exact Sciences
Classification: Uncertain significance for TRIM32-related condition. Last evaluated: 2026-08-26. Review status: criteria provided, single submitter. Criteria: ACMG Guidelines, 2015. Collection method: clinical testing. Allele origin: germline.
Comment: The TRIM32 c.1960T>C variant is predicted to result in extension of the open reading frame (p.*654Glnext*18). To our knowledge, this variant has not been reported in the literature. This variant has been reported in one heterozygous individual within the ‘other’ subpopulation in gnomAD. At this time, the clinical significance of this variant is uncertain due to the absence of conclusive functional and genetic evidence.

Revvity Omics, Revvity
Classification: Uncertain significance. Last evaluated: 2022-02-14. Review status: criteria provided, single submitter. Criteria: ACMG Guidelines, 2015. Collection method: clinical testing. Allele origin: germline.

NM_012210.4(TRIM32):c.1960T>C (p.Ter654Gln)

Genes: ASTN2 (astrotactin 2; minus strand), TRIM32 (tripartite motif containing 32; plus strand). Cytogenetic location: 9q33.1.
Variant type: single nucleotide variant.
Coding change: c.1960T>C on transcript NM_012210.4 (MANE Select); coding-DNA position 1960, T replaced by C.
Protein change: p.Ter654Gln.
Molecular consequence: stop lost. On other transcripts: intron variant (3).
Genome position (GRCh38, 1-based): chr9:116,699,702, T>C. VCF-style: chr9-116699702-T-C. GRCh37 (hg19) VCF-style: chr9-119461981-T-C.
Other names: c.1960T>C, p.Ter654Gln (NM_001099679.2, NM_001379048.1, NM_001379049.1 and 1 more transcripts); c.2653+26069A>G (NM_014010.5); c.2794+26069A>G (NM_001365069.1); c.2806+26069A>G (NM_001365068.1).
Identifiers: ClinVar variation 2437267 (VCV002437267.4), dbSNP rs1295233873, ClinGen allele CA374652813.